The following is an entry in ClinVar:

NM_000245.4(MET):c.262C>A (p.Pro88Thr)

Gene: MET (MET proto-oncogene, receptor tyrosine kinase; plus strand). Cytogenetic location: 7q31.2.
Variant type: single nucleotide variant.
Coding change: c.262C>A on transcript NM_000245.4 (MANE Select); coding-DNA position 262, C replaced by A.
Protein change: p.Pro88Thr; replaces proline 88 with threonine.
Molecular consequence: missense variant. On other transcripts: intron variant (1).
Genome position (GRCh38, 1-based): chr7:116,699,346, C>A. VCF-style: chr7-116699346-C-A. GRCh37 (hg19) VCF-style: chr7-116339400-C-A.
Other names: c.262C>A, p.Pro88Thr (NM_001127500.3, NM_001324401.3); c.-91+26769C>A (NM_001324402.2); short protein forms P88T.
Identifiers: ClinVar variation 2901955 (VCV002901955.4), dbSNP rs1169278904, ClinGen allele CA368968687.
Genomic context (GRCh38, chr7:116,699,346, plus strand): 5'-AACTACATTTATGTTTTAAATGAGGAAGACCTTCAGAAGGTTGCTGAGTACAAGACTGGG[C>A]CTGTGCTGGAACACCCAGATTGTTTCCCATGTCAGGACTGCAGCAGCAAAGCCAATTTAT-3'
Protein context (NP_000236.2, residues 78-98): LQKVAEYKTG[Pro88Thr]VLEHPDCFPC

ClinVar aggregate classification (germline): Uncertain significance. Review status: criteria provided, multiple submitters, no conflicts (2 of 4 stars). 2 submissions from 2 submitters: Uncertain significance (2). Last evaluated 2026-07-13.

Conditions:
Hereditary cancer-predisposing syndrome. Also called: Hereditary Cancer Syndrome; Hereditary neoplastic syndrome; Neoplastic Syndromes, Hereditary; Tumor predisposition. Identifiers: Orphanet 140162, MedGen C0027672, MeSH D009386, MONDO:0015356.
Renal cell carcinoma. Identifiers: Orphanet 217071, MedGen C0007134, MeSH D002292, MONDO:0005086, HP:0005584.

Submissions (2):

Ambry Genetics
Classification: Uncertain significance for Hereditary cancer-predisposing syndrome. Last evaluated: 2026-07-13. Review status: criteria provided, single submitter. Criteria: Ambry Variant Classification Scheme 2023. Collection method: clinical testing. Allele origin: germline.
Comment: The p.P88T variant (also known as c.262C>A), located in coding exon 1 of the MET gene, results from a C to A substitution at nucleotide position 262. The proline at codon 88 is replaced by threonine, an amino acid with highly similar properties. This amino acid position is conserved. In addition, this alteration is predicted to be deleterious by in silico analysis. Based on the available evidence, the clinical significance of this variant remains unclear.

Labcorp Genetics (formerly Invitae), Labcorp
Classification: Uncertain significance for Renal cell carcinoma. Last evaluated: 2022-12-16. Review status: criteria provided, single submitter. Criteria: Invitae Variant Classification Sherloc (09022015). Collection method: clinical testing. Allele origin: germline.
Comment: This sequence change replaces proline, which is neutral and non-polar, with threonine, which is neutral and polar, at codon 88 of the MET protein (p.Pro88Thr). This variant is not present in population databases (gnomAD no frequency). This variant has not been reported in the literature in individuals affected with MET-related conditions. Advanced modeling of protein sequence and biophysical properties (such as structural, functional, and spatial information, amino acid conservation, physicochemical variation, residue mobility, and thermodynamic stability) performed at Invitae indicates that this missense variant is expected to disrupt MET protein function. In summary, the available evidence is currently insufficient to determine the role of this variant in disease. Therefore, it has been classified as a Variant of Uncertain Significance.